The following is an entry in ClinVar:

ClinVar aggregate classification (germline): Uncertain significance (1 of 4 stars; one submission).

Allele frequency attached by ClinVar (database versions not stated): gnomAD exomes below 0.00001; TOPMed below 0.00001.
gnomAD v4.1: 4 of 1,553,680 alleles (0.00026%); highest among the groups gnomAD compares: African/African-American, 0.0014%; no homozygotes.

Submissions (2):

Labcorp Genetics (formerly Invitae), Labcorp
Classification: Uncertain significance. Last evaluated: 2025-08-14. Review status: criteria provided, single submitter. Criteria: Invitae Variant Classification Sherloc (09022015). Collection method: clinical testing. Allele origin: germline.
Comment: This sequence change creates a premature translational stop signal (p.Gln141*) in the DDX58 gene. It is expected to result in an absent or disrupted protein product. However, the current clinical and genetic evidence is not sufficient to establish whether loss-of-function variants in DDX58 cause disease. This variant is present in population databases (rs373568463, gnomAD 0.002%). This variant has not been reported in the literature in individuals affected with DDX58-related conditions. ClinVar contains an entry for this variant (Variation ID: 1367126). In summary, the available evidence is currently insufficient to determine the role of this variant in disease. Therefore, it has been classified as a Variant of Uncertain Significance.

Dr. Peter K. Rogan Lab, Western University
No classification provided (evidence only). Condition: Clear cell carcinoma of kidney. Review status: no classification provided. Collection method: in vitro. Allele origin: not applicable. Functional consequence: retained intron. Not counted in ClinVar's aggregate classification.

NM_014314.4(RIGI):c.421C>T (p.Gln141Ter)

Gene: RIGI (RNA sensor RIG-I; minus strand). Cytogenetic location: 9p21.1.
Variant type: single nucleotide variant.
Coding change: c.421C>T on transcript NM_014314.4 (MANE Select); coding-DNA position 421, C replaced by T.
Protein change: p.Gln141Ter; replaces glutamine 141 with a stop codon.
Molecular consequence: nonsense. On other transcripts: 5 prime UTR variant (3).
Genome position (GRCh38, 1-based): chr9:32,493,763, G>A on the plus strand (C>T on the coding strand, the complement: RIGI is on the minus strand). VCF-style: chr9-32493763-G-A. GRCh37 (hg19) VCF-style: chr9-32493761-G-A.
Other names: c.421C>T, p.Gln141Ter (NM_001385907.1, NM_001385909.1, NM_001385913.1); c.-34C>T (NM_001385910.1, NM_001385914.1); c.-41C>T (NM_001385912.1); short protein forms Q141*.
Identifiers: ClinVar variation 1367126 (VCV001367126.7), dbSNP rs373568463, ClinGen allele CA5020098.